The following is an entry in ClinVar:

ClinVar aggregate classification (germline): Uncertain significance (1 of 4 stars; one submission).

Submission:

GeneDx
Classification: Uncertain significance. Last evaluated: 2019-05-16. Review status: criteria provided, single submitter. Criteria: GeneDx Variant Classification Process June 2021. Collection method: clinical testing. Allele origin: germline. Affected: yes.
Comment: Not observed in large population cohorts (Lek et al., 2016); Frameshift variant predicted to result in protein truncation or nonsense mediated decay in a gene for which loss-of-function is not a known mechanism of disease; Has not been previously published as pathogenic or benign to our knowledge

NM_003036.4(SKI):c.1765dup (p.Gln589fs)

Gene: SKI (SKI proto-oncogene; plus strand). Cytogenetic location: 1p36.32.
Variant type: Duplication.
Coding change: c.1765dup on transcript NM_003036.4 (MANE Select); coding-DNA position 1765, one base duplicated (C; older notation c.1765dupC).
Protein change: p.Gln589fs; shifts the reading frame from glutamine 589.
Molecular consequence: frameshift variant.
Genome position (GRCh38, 1-based): chr1:2,304,583, C duplicated; the last of 2 consecutive C bases (chr1:2,304,582-2,304,583); duplicating either gives the same sequence. VCF-style (leftmost placement, unchanged base first): chr1-2304581-A-AC. GRCh37 (hg19) VCF-style: chr1-2236020-A-AC.
Other names: short protein forms Q589fs.
Identifiers: ClinVar variation 1302104 (VCV001302104.2), dbSNP rs2100920538, ClinGen allele CA2573051506.